The following is an entry in ClinVar:

NM_198578.4(LRRK2):c.6681C>G (p.Ile2227Met)

Gene: LRRK2 (leucine rich repeat kinase 2; plus strand). Cytogenetic location: 12q12.
Variant type: single nucleotide variant.
Coding change: c.6681C>G on transcript NM_198578.4 (MANE Select); coding-DNA position 6681, C replaced by G.
Protein change: p.Ile2227Met; replaces isoleucine 2227 with methionine.
Molecular consequence: missense variant.
Genome position (GRCh38, 1-based): chr12:40,354,403, C>G. VCF-style: chr12-40354403-C-G. GRCh37 (hg19) VCF-style: chr12-40748205-C-G.
Other names: short protein forms I2227M.
Identifiers: ClinVar variation 1754859 (VCV001754859.2), dbSNP rs370765940, ClinGen allele CA6514732.

ClinVar aggregate classification (germline): Uncertain significance (1 of 4 stars; one submission).

Conditions:
Inborn genetic diseases. Identifiers: MedGen C0950123, MeSH D030342.

Allele frequency attached by ClinVar (database versions not stated): ExAC 0.00001; gnomAD 0.00001; TOPMed 0.00002; ESP Exome Variant Server 0.00008.
gnomAD v4.1: 3 of 1,613,938 alleles (0.00019%); highest among the groups gnomAD compares: African/African-American, 0.0027%; no homozygotes.

Submission:

Ambry Genetics
Classification: Uncertain significance for Inborn genetic diseases. Last evaluated: 2022-10-22. Review status: criteria provided, single submitter. Criteria: Ambry Variant Classification Scheme 2023. Collection method: clinical testing. Allele origin: germline.
Comment: The p.I2227M variant (also known as c.6681C>G), located in coding exon 45 of the LRRK2 gene, results from a C to G substitution at nucleotide position 6681. The isoleucine at codon 2227 is replaced by methionine, an amino acid with highly similar properties. This amino acid position is conserved. In addition, this alteration is predicted to be tolerated by in silico analysis. Since supporting evidence is limited at this time, the clinical significance of this alteration remains unclear.